The following is an entry in ClinVar:

ClinVar aggregate classification (germline): Uncertain significance (1 of 4 stars; one submission).

Conditions:
Capillary malformation-arteriovenous malformation syndrome. Also called: Capillary malformation-arteriovenous malformation. Identifiers: Orphanet 137667, MedGen C1842180, MONDO:0012016.

Submission:

Labcorp Genetics (formerly Invitae), Labcorp
Classification: Uncertain significance for Capillary malformation-arteriovenous malformation syndrome. Last evaluated: 2021-05-03. Review status: criteria provided, single submitter. Criteria: Invitae Variant Classification Sherloc (09022015). Collection method: clinical testing. Allele origin: germline.
Comment: Experimental studies and prediction algorithms are not available or were not evaluated, and the functional significance of this variant is currently unknown. In summary, the available evidence is currently insufficient to determine the role of this variant in disease. Therefore, it has been classified as a Variant of Uncertain Significance. This variant has not been reported in the literature in individuals with RASA1-related conditions. This variant is not present in population databases (ExAC no frequency). This variant, c.3108_3113del, results in the deletion of 2 amino acid(s) of the RASA1 protein (p.Lys1036_Gln1037del), but otherwise preserves the integrity of the reading frame.

NM_002890.3(RASA1):c.3102ACAAAA[1] (p.Lys1036_Gln1037del)

Genes: CCNH (cyclin H; minus strand), RASA1 (RAS p21 protein activator 1; plus strand). Cytogenetic location: 5q14.3.
Variant type: Microsatellite.
Coding change: c.3102ACAAAA[1] on transcript NM_002890.3 (MANE Select); one copy of the 6-base unit ACAAAA starting at c.3102; the reference has two copies in a row; one copy, 6 bases deleted.
Protein change: p.Lys1036_Gln1037del.
Molecular consequence: inframe deletion. On other transcripts: 3 prime UTR variant (2), non-coding transcript variant (1), intron variant (1).
Genome position (GRCh38, 1-based): chr5:87,390,847-87,390,852, ACAAAA deleted; deleting any 6 consecutive bases within chr5:87,390,840-87,390,852 gives the same sequence; the position shown is the placement nearest the transcript's 3' end. VCF-style (leftmost placement, unchanged base first): chr5-87390839-CAACAAA-C. GRCh37 (hg19) VCF-style: chr5-86686656-CAACAAA-C.
Other names: c.2571ACAAAA[1], p.Lys859_Gln860del (NM_022650.3); c.*2009TTTGTT[1] (NM_001363539.2, NM_001364076.2); c.933+4199_933+4204del (NM_001364075.2).
Identifiers: ClinVar variation 1476430 (VCV001476430.9), dbSNP rs2112530531, ClinGen allele CA2580613601.